The following is an entry in ClinVar:

NM_014989.7(RIMS1):c.*2049T>A

Gene: RIMS1 (regulating synaptic membrane exocytosis 1; plus strand). Cytogenetic location: 6q13.
Variant type: single nucleotide variant.
Coding change: c.*2049T>A on transcript NM_014989.7 (MANE Select); 2049 bases downstream of the stop codon, T replaced by A.
Molecular consequence: 3 prime UTR variant.
Genome position (GRCh38, 1-based): chr6:72,402,763, T>A. VCF-style: chr6-72402763-T-A. GRCh37 (hg19) VCF-style: chr6-73112465-T-A.
Other names: c.*2049T>A (NM_001168407.2, NM_001168408.2, NM_001168409.2 and 60 more transcripts).
Identifiers: ClinVar variation 357892 (VCV000357892.5), dbSNP rs542135172, ClinGen allele CA10622670.
Genomic context (GRCh38, chr6:72,402,763, plus strand): 5'-TATCTTTCTATTTTGACCACTTGTCTTAACACTCCCCTGTGCTTTTAAATGAAATTCCAA[T>A]TCATGTATGTAAACATGTTTAATAAAATTTACTTTTCATGTCAGTCAGTAGCCATATGTG-3'

ClinVar aggregate classification (germline): Benign (1 of 4 stars; one submission).

Conditions:
Cone-rod dystrophy 7 (CORD7). Identifiers: Orphanet 1872, MedGen C1863634, MONDO:0011355, OMIM 603649.

Allele frequency attached by ClinVar (database versions not stated): 1000 Genomes Project 0.00040; 1000 Genomes Project 30x 0.00031.
gnomAD v4.1: 9 of 152,804 alleles (0.0059%); highest among the groups gnomAD compares: South Asian, 0.19%; no homozygotes.

Submission:

Illumina Laboratory Services, Illumina
Classification: Benign for Cone-rod dystrophy 7. Last evaluated: 2018-01-13. Review status: criteria provided, single submitter. Criteria: ICSL Variant Classification Criteria 13 December 2019. Collection method: clinical testing. Allele origin: germline.
Comment: This variant was observed in the ICSL laboratory as part of a predisposition screen in an ostensibly healthy population. It had not been previously curated by ICSL or reported in the Human Gene Mutation Database (HGMD: prior to June 1st, 2018), and was therefore a candidate for classification through an automated scoring system. Utilizing variant allele frequency, disease prevalence and penetrance estimates, and inheritance mode, an automated score was calculated to assess if this variant is too frequent to cause the disease. Based on the score and internal cut-off values, a variant classified as benign is not then subjected to further curation. The score for this variant resulted in a classification of benign for this disease.